The following is an entry in ClinVar:

ClinVar aggregate classification (germline): Uncertain significance (1 of 4 stars; one submission).

Submission:

GeneDx
Classification: Uncertain significance. Last evaluated: 2022-11-21. Review status: criteria provided, single submitter. Criteria: GeneDx Variant Classification Process June 2021. Collection method: clinical testing. Allele origin: germline. Affected: yes.
Comment: Not observed at significant frequency in large population cohorts (gnomAD); In silico analysis supports that this missense variant has a deleterious effect on protein structure/function; Has not been previously published as pathogenic or benign to our knowledge

NM_021072.4(HCN1):c.475A>T (p.Ile159Phe)

Gene: HCN1 (hyperpolarization activated cyclic nucleotide gated potassium channel 1; minus strand). Cytogenetic location: 5p12.
Variant type: single nucleotide variant.
Coding change: c.475A>T on transcript NM_021072.4 (MANE Select); coding-DNA position 475, A replaced by T.
Protein change: p.Ile159Phe; replaces isoleucine 159 with phenylalanine.
Molecular consequence: missense variant.
Genome position (GRCh38, 1-based): chr5:45,645,559, T>A on the plus strand (A>T on the coding strand, the complement: HCN1 is on the minus strand). VCF-style: chr5-45645559-T-A. GRCh37 (hg19) VCF-style: chr5-45645661-T-A.
Other names: short protein forms I159F.
Identifiers: ClinVar variation 1801116 (VCV001801116.1), dbSNP rs1745533150, ClinGen allele CA359707832.